The following is an entry in ClinVar:

NM_001369.3(DNAH5):c.2504T>A (p.Met835Lys)

Genes: DNAH5 (dynein axonemal heavy chain 5; minus strand), DNAH5-AS1 (DNAH5 antisense RNA 1; plus strand). Cytogenetic location: 5p15.2.
Variant type: single nucleotide variant.
Coding change: c.2504T>A on transcript NM_001369.3 (MANE Select); coding-DNA position 2504, T replaced by A.
Protein change: p.Met835Lys; replaces methionine 835 with lysine.
Molecular consequence: missense variant.
Genome position (GRCh38, 1-based): chr5:13,891,049, A>T on the plus strand (T>A on the coding strand, the complement: DNAH5 is on the minus strand). VCF-style: chr5-13891049-A-T. GRCh37 (hg19) VCF-style: chr5-13891158-A-T.
Other names: short protein forms M835K.
Identifiers: ClinVar variation 454758 (VCV000454758.14), dbSNP rs1554092890, ClinGen allele CA359199612.

ClinVar aggregate classification (germline): Conflicting classifications of pathogenicity. Review status: criteria provided, conflicting classifications (1 of 4 stars). 3 submissions from 3 submitters: Pathogenic (1); Likely pathogenic (1); Uncertain significance (1). Last evaluated 2025-10-16.

Conditions:
DNAH5-related disorder. Also called: DNAH5-related condition.
Primary ciliary dyskinesia 3. Identifiers: Orphanet 244, MedGen C1837618, MONDO:0012085, OMIM 608644.
Primary ciliary dyskinesia. Also called: Ciliary dyskinesia. Identifiers: Orphanet 244, MedGen C0008780, MONDO:0016575, HP:0012265.

Submissions (3):

Women's Health and Genetics/Laboratory Corporation of America, LabCorp
Classification: Likely pathogenic for Primary ciliary dyskinesia 3. Last evaluated: 2025-10-16. Review status: criteria provided, single submitter. Criteria: LabCorp Variant Classification Summary - May 2015. Collection method: clinical testing. Allele origin: germline.
Comment: Variant summary: DNAH5 c.2504T>A (p.Met835Lys) results in a non-conservative amino acid change in the encoded protein sequence. Algorithms developed to predict the effect of missense changes on protein structure and function are either unavailable or do not agree on the potential impact of this missense change. The variant was absent in 251048 control chromosomes. c.2504T>A has been observed in the presumed compound heterozygous state in multiple individual(s) affected with clinical features of Primary ciliary dyskinesia 3 (Similuk_2022, Labcorp Genetics (formerly Invitae)), including at least 1 family where it segregated with disease. These data indicate that the variant may be associated with disease. To our knowledge, no experimental evidence demonstrating an impact on protein function has been reported. The following publication has been ascertained in the context of this evaluation (PMID: 35753512). ClinVar contains an entry for this variant (Variation ID: 454758). Based on the evidence outlined above, the variant was classified as likely pathogenic.

Labcorp Genetics (formerly Invitae), Labcorp
Classification: Pathogenic for Primary ciliary dyskinesia. Last evaluated: 2023-08-04. Review status: criteria provided, single submitter. Criteria: Invitae Variant Classification Sherloc (09022015). Collection method: clinical testing. Allele origin: germline.
Comment: This sequence change replaces methionine, which is neutral and non-polar, with lysine, which is basic and polar, at codon 835 of the DNAH5 protein (p.Met835Lys). This variant is not present in population databases (gnomAD no frequency). For these reasons, this variant has been classified as Pathogenic. Advanced modeling of protein sequence and biophysical properties (such as structural, functional, and spatial information, amino acid conservation, physicochemical variation, residue mobility, and thermodynamic stability) performed at Invitae indicates that this missense variant is not expected to disrupt DNAH5 protein function. ClinVar contains an entry for this variant (Variation ID: 454758). This missense change has been observed in individual(s) with clinical features of primary ciliary dyskinesia (Invitae). In at least one individual the data is consistent with being in trans (on the opposite chromosome) from a pathogenic variant.

PreventionGenetics, part of Exact Sciences
Classification: Uncertain significance for DNAH5-related condition. Last evaluated: 2022-08-30. Review status: criteria provided, single submitter. Criteria: ACMG Guidelines, 2015. Collection method: clinical testing. Allele origin: germline.
Comment: The DNAH5 c.2504T>A variant is predicted to result in the amino acid substitution p.Met835Lys. To our knowledge, this variant has not been reported in the literature or in a large population database, indicating this variant is rare. At this time, the clinical significance of this variant is uncertain due to the absence of conclusive functional and genetic evidence.

Literature cited by the submitters: PubMed 35753512 (cited by Women's Health and Genetics/Laboratory Corporation of America, LabCorp).